The following is an entry in ClinVar:

NM_001267550.2(TTN):c.44529C>T (p.His14843=)

Gene: TTN (titin; minus strand). Cytogenetic location: 2q31.2.
Variant type: single nucleotide variant.
Coding change: c.44529C>T on transcript NM_001267550.2 (MANE Select); coding-DNA position 44529, C replaced by T.
Protein change: p.His14843=; no amino-acid change (histidine 14843 retained).
Molecular consequence: synonymous variant.
Genome position (GRCh38, 1-based): chr2:178,625,292, G>A on the plus strand (C>T on the coding strand, the complement: TTN is on the minus strand). VCF-style: chr2-178625292-G-A. GRCh37 (hg19) VCF-style: chr2-179490019-G-A.
Other names: p.H13202H:CAC>CAT; p.His13202=; c.39606C>T, p.His13202= (NM_001256850.1); c.17334C>T, p.His5778= (NM_003319.4); c.36825C>T, p.His12275= (NM_133378.4); c.17709C>T, p.His5903= (NM_133432.3); c.17910C>T, p.His5970= (NM_133437.4).
Identifiers: ClinVar variation 178215 (VCV000178215.41), dbSNP rs55973744, ClinGen allele CA295751.

ClinVar aggregate classification (germline): Benign/Likely benign. Review status: criteria provided, multiple submitters, no conflicts (2 of 4 stars). 23 submissions from 16 submitters: Benign (16); Likely benign (4). 3 of the submissions do not count toward it. Last evaluated 2026-02-03.

Conditions:
Dilated cardiomyopathy 1G (CMD1G). Identifiers: Orphanet 154, MedGen C1858763, MONDO:0011400, OMIM 604145.
Autosomal recessive limb-girdle muscular dystrophy type 2J (LGMDR10). Also called: MUSCULAR DYSTROPHY, LIMB-GIRDLE, AUTOSOMAL RECESSIVE 10; Limb-girdle muscular dystrophy, type 2J. Identifiers: Orphanet 140922, MedGen C1837342, MONDO:0012127, OMIM 608807.
Cardiovascular phenotype. Identifiers: MedGen CN230736.
Early-onset myopathy with fatal cardiomyopathy (CMYO5). Also called: CONGENITAL MYOPATHY 5 WITH CARDIOMYOPATHY; Salih Myopathy. Identifiers: Orphanet 289377, MedGen C2673677, MONDO:0012714, OMIM 611705. Disease mechanism: loss of function.
Myopathy, myofibrillar, 9, with early respiratory failure (MFM9). Also called: Hereditary myopathy with early respiratory failure; EDSTROM MYOPATHY; Myopathy, distal, with early respiratory failure, autosomal dominant; MYOPATHY, PROXIMAL, WITH EARLY RESPIRATORY MUSCLE INVOLVEMENT. Identifiers: Orphanet 178464, Orphanet 34521, MedGen C1863599, MONDO:0011362, OMIM 603689.
Tibial muscular dystrophy (TMD). Also called: Udd Distal Myopathy – Tibial Muscular Dystrophy; Tibial muscular dystrophy, tardive; UDD MYOPATHY. Identifiers: Orphanet 609, MedGen C1838244, MONDO:0010870, OMIM 600334.

Allele frequency attached by ClinVar (database versions not stated): 1000 Genomes Project 0.00879; gnomAD 0.00071 and 0.00117; ExAC 0.00240; TOPMed 0.00143; gnomAD exomes 0.00231; 1000 Genomes Project 30x 0.00874; ESP Exome Variant Server 0.00008.
gnomAD v4.1: 1,167 of 1,605,694 alleles (0.073%); highest among the groups gnomAD compares: East Asian, 2%; 17 homozygotes.

Submissions (23):

Labcorp Genetics (formerly Invitae), Labcorp
Classification: Benign for Dilated cardiomyopathy 1G; Autosomal recessive limb-girdle muscular dystrophy type 2J. Last evaluated: 2026-02-03. Review status: criteria provided, single submitter. Criteria: Invitae Variant Classification Sherloc (09022015). Collection method: clinical testing. Allele origin: germline.

Molecular Diagnostic Laboratory for Inherited Cardiovascular Disease, Montreal Heart Institute
Classification: Benign. Last evaluated: 2025-04-09. Review status: criteria provided, single submitter. Criteria: ACMG Guidelines, 2015. Collection method: clinical testing. Allele origin: germline. Affected: no.

Blueprint Genetics
Classification: Likely benign. Last evaluated: 2024-11-11. Review status: criteria provided, single submitter. Criteria: ACMG Guidelines, 2015. Collection method: clinical testing. Allele origin: germline.

Women's Health and Genetics/Laboratory Corporation of America, LabCorp
Classification: Benign. Last evaluated: 2023-05-15. Review status: criteria provided, single submitter. Criteria: LabCorp Variant Classification Summary - May 2015. Collection method: clinical testing. Allele origin: germline.

Genome-Nilou Lab
Classification: Benign for Autosomal recessive limb-girdle muscular dystrophy type 2J. Last evaluated: 2021-09-10. Review status: criteria provided, single submitter. Criteria: ACMG Guidelines, 2015. Collection method: clinical testing. Allele origin: germline. Affected: no.

Genome-Nilou Lab
Classification: Benign for Myopathy, myofibrillar, 9, with early respiratory failure. Last evaluated: 2021-09-10. Review status: criteria provided, single submitter. Criteria: ACMG Guidelines, 2015. Collection method: clinical testing. Allele origin: germline. Affected: no.

Genome-Nilou Lab
Classification: Benign for Early-onset myopathy with fatal cardiomyopathy. Last evaluated: 2021-09-10. Review status: criteria provided, single submitter. Criteria: ACMG Guidelines, 2015. Collection method: clinical testing. Allele origin: germline. Affected: no.

Genome-Nilou Lab
Classification: Benign for Tibial muscular dystrophy. Last evaluated: 2021-09-10. Review status: criteria provided, single submitter. Criteria: ACMG Guidelines, 2015. Collection method: clinical testing. Allele origin: germline. Affected: no.

ARUP Laboratories, Molecular Genetics and Genomics, ARUP Laboratories
Classification: Benign. Last evaluated: 2020-12-17. Review status: criteria provided, single submitter. Criteria: ARUP Molecular Germline Variant Investigation Process 2021. Collection method: clinical testing. Allele origin: germline.

Mayo Clinic Laboratories, Mayo Clinic
Classification: Benign. Last evaluated: 2019-04-11. Review status: criteria provided, single submitter. Criteria: ACMG Guidelines, 2015. Collection method: clinical testing. Allele origin: germline. Observed: 4 variant alleles.

Illumina Laboratory Services, Illumina
Classification: Likely benign for Dilated cardiomyopathy 1G. Last evaluated: 2018-01-12. Review status: criteria provided, single submitter. Criteria: ICSL Variant Classification Criteria 13 December 2019. Collection method: clinical testing. Allele origin: germline.
Comment: This variant was observed in the ICSL laboratory as part of a predisposition screen in an ostensibly healthy population. It had not been previously curated by ICSL or reported in the Human Gene Mutation Database (HGMD: prior to June 1st, 2018), and was therefore a candidate for classification through an automated scoring system. Utilizing variant allele frequency, disease prevalence and penetrance estimates, and inheritance mode, an automated score was calculated to assess if this variant is too frequent to cause the disease. Based on the score and internal cut-off values, a variant classified as likely benign is not then subjected to further curation. The score for this variant resulted in a classification of likely benign for this disease.

Illumina Laboratory Services, Illumina
Classification: Likely benign for Autosomal recessive limb-girdle muscular dystrophy type 2J. Last evaluated: 2018-01-12. Review status: criteria provided, single submitter. Criteria: ICSL Variant Classification Criteria 13 December 2019. Collection method: clinical testing. Allele origin: germline.
Comment: the same text as in the submission from Illumina Laboratory Services, Illumina above.

Illumina Laboratory Services, Illumina
Classification: Likely benign for Early-onset myopathy with fatal cardiomyopathy. Last evaluated: 2018-01-12. Review status: criteria provided, single submitter. Criteria: ICSL Variant Classification Criteria 13 December 2019. Collection method: clinical testing. Allele origin: germline.
Comment: the same text as in the submission from Illumina Laboratory Services, Illumina above.

Illumina Laboratory Services, Illumina
Classification: Benign for Tibial muscular dystrophy. Last evaluated: 2018-01-12. Review status: criteria provided, single submitter. Criteria: ICSL Variant Classification Criteria 13 December 2019. Collection method: clinical testing. Allele origin: germline.
Comment: This variant was observed in the ICSL laboratory as part of a predisposition screen in an ostensibly healthy population. It had not been previously curated by ICSL or reported in the Human Gene Mutation Database (HGMD: prior to June 1st, 2018), and was therefore a candidate for classification through an automated scoring system. Utilizing variant allele frequency, disease prevalence and penetrance estimates, and inheritance mode, an automated score was calculated to assess if this variant is too frequent to cause the disease. Based on the score and internal cut-off values, a variant classified as benign is not then subjected to further curation. The score for this variant resulted in a classification of benign for this disease.

Illumina Laboratory Services, Illumina
Classification: Benign for Myopathy, myofibrillar, 9, with early respiratory failure. Last evaluated: 2018-01-12. Review status: criteria provided, single submitter. Criteria: ICSL Variant Classification Criteria 13 December 2019. Collection method: clinical testing. Allele origin: germline.
Comment: the same text as in the submission from Illumina Laboratory Services, Illumina above.

Athena Diagnostics
Classification: Benign. Last evaluated: 2017-03-01. Review status: criteria provided, single submitter. Criteria: Athena Diagnostics Criteria. Collection method: clinical testing. Allele origin: germline.

Eurofins Ntd Llc (ga)
Classification: Benign. Last evaluated: 2015-09-11. Review status: criteria provided, single submitter. Criteria: EGL Classification Definitions 2015. Collection method: clinical testing. Allele origin: germline. Observed: 1 variant allele, 1 heterozygote.

Ambry Genetics
Classification: Benign for Cardiovascular phenotype. Last evaluated: 2015-06-21. Review status: criteria provided, single submitter. Criteria: Ambry Variant Classification Scheme 2023. Collection method: clinical testing. Allele origin: germline.

GeneDx
Classification: Benign. Last evaluated: 2014-08-27. Review status: criteria provided, single submitter. Criteria: GeneDx Variant Classification (06012015). Collection method: clinical testing. Allele origin: germline. Affected: yes.
Comment: This variant is considered likely benign or benign based on one or more of the following criteria: it is a conservative change, it occurs at a poorly conserved position in the protein, it is predicted to be benign by multiple in silico algorithms, and/or has population frequency not consistent with disease.

Laboratory for Molecular Medicine, Mass General Brigham Personalized Medicine
Classification: Benign. Last evaluated: 2013-10-21. Review status: criteria provided, single submitter. Criteria: LMM Criteria. Collection method: clinical testing. Allele origin: germline. Observed: 5 variant alleles.
Comment: His12275His in exon 190 of TTN: This variant is not expected to have clinical si gnificance because it does not alter an amino acid residue and is not located wi thin the splice consensus sequence. It has been identified in 3.5% (20/572) of A sian chromosomes by the 1000 Genomes Project (dbSNP rs55973744).

Clinical Genetics DNA and cytogenetics Diagnostics Lab, Erasmus MC, Erasmus Medical Center
Classification: Likely benign. Review status: no assertion criteria provided. Collection method: clinical testing. Allele origin: germline. Affected: yes. Study: VKGL Data-share Consensus. Not counted in ClinVar's aggregate classification.

Clinical Genetics, Academic Medical Center
Classification: Benign. Review status: no assertion criteria provided. Collection method: clinical testing. Allele origin: germline. Affected: yes. Study: VKGL Data-share Consensus. Not counted in ClinVar's aggregate classification.

Diagnostic Laboratory, Department of Genetics, University Medical Center Groningen
Classification: Likely benign. Review status: no assertion criteria provided. Collection method: clinical testing. Allele origin: germline. Affected: yes. Study: VKGL Data-share Consensus. Not counted in ClinVar's aggregate classification.